The following is an entry in ClinVar:

ClinVar aggregate classification (germline): Uncertain significance (1 of 4 stars; one submission).

gnomAD v4.1: 24 of 1,614,098 alleles (0.0015%); highest among the groups gnomAD compares: Non-Finnish European, 0.0019%; no homozygotes.

Submission:

Labcorp Genetics (formerly Invitae), Labcorp
Classification: Uncertain significance. Last evaluated: 2025-12-19. Review status: criteria provided, single submitter. Criteria: Invitae Variant Classification Sherloc (09022015). Collection method: clinical testing. Allele origin: germline.
Comment: This sequence change replaces aspartic acid, which is acidic and polar, with alanine, which is neutral and non-polar, at codon 77 of the KANK4 protein (p.Asp77Ala). This variant is present in population databases (rs768266101, gnomAD 0.0009%). This variant has not been reported in the literature in individuals affected with KANK4-related conditions. An algorithm developed to predict the effect of missense changes on protein structure and function (PolyPhen-2) suggests that this variant is likely to be tolerated. In summary, the available evidence is currently insufficient to determine the role of this variant in disease. Therefore, it has been classified as a Variant of Uncertain Significance.

NM_181712.5(KANK4):c.230A>C (p.Asp77Ala)

Gene: KANK4 (KN motif and ankyrin repeat domains 4; minus strand). Cytogenetic location: 1p31.3.
Variant type: single nucleotide variant.
Coding change: c.230A>C on transcript NM_181712.5 (MANE Select); coding-DNA position 230, A replaced by C.
Protein change: p.Asp77Ala; replaces aspartic acid 77 with alanine.
Molecular consequence: missense variant. On other transcripts: intron variant (1).
Genome position (GRCh38, 1-based): chr1:62,274,874, T>G on the plus strand (A>C on the coding strand, the complement: KANK4 is on the minus strand). VCF-style: chr1-62274874-T-G. GRCh37 (hg19) VCF-style: chr1-62740546-T-G.
Other names: c.17-3285A>C (NM_001320269.2); short protein forms D77A.
Identifiers: ClinVar variation 4704088 (VCV004704088.1).